The following is an entry in ClinVar:

NM_005012.4(ROR1):c.1624G>A (p.Val542Ile)

Gene: ROR1 (receptor tyrosine kinase like orphan receptor 1; plus strand). Cytogenetic location: 1p31.3.
Variant type: single nucleotide variant.
Coding change: c.1624G>A on transcript NM_005012.4 (MANE Select); coding-DNA position 1624, G replaced by A.
Protein change: p.Val542Ile; replaces valine 542 with isoleucine.
Molecular consequence: missense variant.
Genome position (GRCh38, 1-based): chr1:64,177,665, G>A. VCF-style: chr1-64177665-G-A. GRCh37 (hg19) VCF-style: chr1-64643348-G-A.
Other names: short protein forms V542I.
Identifiers: ClinVar variation 1400219 (VCV001400219.8), dbSNP rs139362871, ClinGen allele CA890314.

ClinVar aggregate classification (germline): Uncertain significance (1 of 4 stars; one submission).

Allele frequency attached by ClinVar (database versions not stated): gnomAD 0.00001 and 0.00002; gnomAD exomes 0.00001 and 0.00002; TOPMed 0.00001; ExAC 0.00003; 1000 Genomes Project 30x 0.00016; 1000 Genomes Project 0.00020.
gnomAD v4.1: 19 of 1,614,160 alleles (0.0012%); highest among the groups gnomAD compares: African/African-American, 0.0067%; no homozygotes.

Submission:

Labcorp Genetics (formerly Invitae), Labcorp
Classification: Uncertain significance. Last evaluated: 2023-07-17. Review status: criteria provided, single submitter. Criteria: Invitae Variant Classification Sherloc (09022015). Collection method: clinical testing. Allele origin: germline.
Comment: This variant has not been reported in the literature in individuals affected with ROR1-related conditions. ClinVar contains an entry for this variant (Variation ID: 1400219). Advanced modeling of protein sequence and biophysical properties (such as structural, functional, and spatial information, amino acid conservation, physicochemical variation, residue mobility, and thermodynamic stability) performed at Invitae indicates that this missense variant is not expected to disrupt ROR1 protein function. In summary, the available evidence is currently insufficient to determine the role of this variant in disease. Therefore, it has been classified as a Variant of Uncertain Significance. This variant is present in population databases (rs139362871, gnomAD 0.01%). This sequence change replaces valine, which is neutral and non-polar, with isoleucine, which is neutral and non-polar, at codon 542 of the ROR1 protein (p.Val542Ile).